The following is an entry in ClinVar:

NM_031935.3(HMCN1):c.5687A>G (p.Tyr1896Cys)

Gene: HMCN1 (hemicentin 1; plus strand). Cytogenetic location: 1q31.1.
Variant type: single nucleotide variant.
Coding change: c.5687A>G on transcript NM_031935.3 (MANE Select); coding-DNA position 5687, A replaced by G.
Protein change: p.Tyr1896Cys; replaces tyrosine 1896 with cysteine.
Molecular consequence: missense variant.
Genome position (GRCh38, 1-based): chr1:186,023,091, A>G. VCF-style: chr1-186023091-A-G. GRCh37 (hg19) VCF-style: chr1-185992223-A-G.
Other names: short protein forms Y1896C.
Identifiers: ClinVar variation 2130435 (VCV002130435.4), dbSNP rs1206215597, ClinGen allele CA343895246.
Genomic context (GRCh38, chr1:186,023,091, plus strand): 5'-TACAGTCTTCTGGTCGAGTTCTACAAATTGCCAAAACCCTGTTGGAAGATGCTGGCAGAT[A>G]CACATGTGTGGCTACCAACGCAGCTGGAGAAACACAACAGCACATTCAACTGCATGTTCA-3'
Protein context (NP_114141.2, residues 1886-1906): AKTLLEDAGR[Tyr1896Cys]TCVATNAAGE

ClinVar aggregate classification (germline): Uncertain significance (1 of 4 stars; one submission).

Allele frequency attached by ClinVar (database versions not stated): gnomAD exomes below 0.00001.
gnomAD v4.1: 2 of 1,613,272 alleles (0.00012%); highest among the groups gnomAD compares: Non-Finnish European, 0.000085%; no homozygotes.

Submission:

Labcorp Genetics (formerly Invitae), Labcorp
Classification: Uncertain significance. Last evaluated: 2022-06-08. Review status: criteria provided, single submitter. Criteria: Invitae Variant Classification Sherloc (09022015). Collection method: clinical testing. Allele origin: germline.
Comment: In summary, the available evidence is currently insufficient to determine the role of this variant in disease. Therefore, it has been classified as a Variant of Uncertain Significance. Algorithms developed to predict the effect of missense changes on protein structure and function are either unavailable or do not agree on the potential impact of this missense change (SIFT: "Deleterious"; PolyPhen-2: "Probably Damaging"; Align-GVGD: "Class C0"). This variant has not been reported in the literature in individuals affected with HMCN1-related conditions. This variant is present in population databases (no rsID available, gnomAD no frequency). This sequence change replaces tyrosine, which is neutral and polar, with cysteine, which is neutral and slightly polar, at codon 1896 of the HMCN1 protein (p.Tyr1896Cys).